The following is an entry in ClinVar:

ClinVar aggregate classification (germline): Uncertain significance (1 of 4 stars; one submission).

Submission:

OLLIN Analises Genomicas, OLLIN
Classification: Uncertain significance. Last evaluated: 2026-08-06. Review status: criteria provided, single submitter. Criteria: ACMG Guidelines 2015 PMID 25741868. Collection method: clinical testing. Allele origin: germline.
Comment: This variant, located at the canonical splicing site (splice donor), is absent from gnomAD and ClinVar and has not been identified in the literature. This variant is predicted to disrupt a canonical splice site, potentially leading to exon skipping, mRNA degradation via nonsense-mediated decay (NMD), or production of a truncated protein. According to the currently available evidence, this variant has been classified as uncertain significance (PM2_P).

NM_018351.4(FGD6):c.3600+1G>A

Gene: FGD6 (FYVE, RhoGEF and PH domain containing 6; minus strand). Cytogenetic location: 12q22.
Variant type: single nucleotide variant.
Coding change: c.3600+1G>A on transcript NM_018351.4 (MANE Select); the canonical splice donor site of the intron after coding-DNA position 3600, G replaced by A.
Molecular consequence: splice donor variant.
Genome position (GRCh38, 1-based): chr12:95,094,591, C>T on the plus strand (G>A on the coding strand, the complement: FGD6 is on the minus strand). VCF-style: chr12-95094591-C-T. GRCh37 (hg19) VCF-style: chr12-95488367-C-T.
Identifiers: ClinVar variation 5002936 (VCV005002936.1).
Genomic context (GRCh38, chr12:95,094,591, plus strand): 5'-AATGTTTAAGGTAAAAACTTTGAAATGCACTGGAAAAAAAAAAAAAAGGAGAAAACAATA[C>T]CTCATCAAGACTCCTACTAGGACAGAAGGTGATTCTTTTCTTGGCATACTCTTCTATTGC-3'